The following is an entry in ClinVar:

ClinVar aggregate classification (germline): Uncertain significance (1 of 4 stars; one submission).

Allele frequency attached by ClinVar (database versions not stated): gnomAD exomes below 0.00001; gnomAD 0.00001.
gnomAD v4.1: 3 of 1,614,000 alleles (0.00019%); highest among the groups gnomAD compares: Non-Finnish European, 0.000085%; no homozygotes.

Submission:

GeneDx
Classification: Uncertain significance. Last evaluated: 2017-09-21. Review status: criteria provided, single submitter. Criteria: GeneDx Variant Classification (06012015). Collection method: clinical testing. Allele origin: germline. Affected: yes.
Comment: A variant of uncertain significance has been identified in the ANK2 gene. The D577N variant has not been published as pathogenic or been reported as benign to our knowledge. This variant is not observed at a significant frequency in large population cohorts (Lek et al., 2016). The D577N variant is a semi-conservative amino acid substitution, which may impact secondary protein structure as these residues differ in some properties. In silico analysis predicts this variant is probably damaging to the protein structure/function. However, this substitution occurs at a position where amino acids with similar properties to aspartic acid (D) are tolerated across species.

NM_001148.6(ANK2):c.1729G>A (p.Asp577Asn)

Gene: ANK2 (ankyrin 2; plus strand). Cytogenetic location: 4q26.
Variant type: single nucleotide variant.
Coding change: c.1729G>A on transcript NM_001148.6 (MANE Select); coding-DNA position 1729, G replaced by A.
Protein change: p.Asp577Asn; replaces aspartic acid 577 with asparagine.
Molecular consequence: missense variant.
Genome position (GRCh38, 1-based): chr4:113,277,882, G>A. VCF-style: chr4-113277882-G-A. GRCh37 (hg19) VCF-style: chr4-114199038-G-A.
Other names: c.1666G>A, p.Asp556Asn (NM_001127493.3, NM_001354239.2, NM_001354243.2 and 14 more transcripts); c.1729G>A, p.Asp577Asn (NM_001354225.2, NM_001354228.2, NM_001354232.2 and 8 more transcripts); c.1774G>A, p.Asp592Asn (NM_001354230.2, NM_001354231.2, NM_001354237.2 and 5 more transcripts); c.1642G>A, p.Asp548Asn (NM_001354249.2, NM_001354260.2, NM_001354264.2 and 13 more transcripts); c.1687G>A, p.Asp563Asn (NM_001354261.2, NM_001386147.1, NM_001386160.1); c.1519G>A, p.Asp507Asn (NM_001354269.3); c.1531G>A, p.Asp511Asn (NM_001354273.2); c.1444G>A, p.Asp482Asn (NM_001354277.2, NM_001386157.1, NM_001386158.1); and 4 more; short protein forms D556N, D577N, D507N, D592N, D482N, D563N, D511N, D548N.
Identifiers: ClinVar variation 452243 (VCV000452243.2), dbSNP rs1319361708, ClinGen allele CA357910918.